The following is an entry in ClinVar:

ClinVar aggregate classification (germline): Uncertain significance (1 of 4 stars; one submission).

Conditions:
RASopathy. Also called: Noonan spectrum disorder; rasopathies. Identifiers: Orphanet 536391, MedGen C5555857, MONDO:0021060.

Submission:

Labcorp Genetics (formerly Invitae), Labcorp
Classification: Uncertain significance for RASopathy. Last evaluated: 2022-05-24. Review status: criteria provided, single submitter. Criteria: Invitae Variant Classification Sherloc (09022015). Collection method: clinical testing. Allele origin: germline.
Comment: In summary, the available evidence is currently insufficient to determine the role of this variant in disease. Therefore, it has been classified as a Variant of Uncertain Significance. Algorithms developed to predict the effect of missense changes on protein structure and function are either unavailable or do not agree on the potential impact of this missense change (SIFT: "Deleterious"; PolyPhen-2: "Benign"; Align-GVGD: "Class C65"). This variant has not been reported in the literature in individuals affected with KRAS-related conditions. This variant is not present in population databases (gnomAD no frequency). This sequence change replaces proline, which is neutral and non-polar, with serine, which is neutral and polar, at codon 140 of the KRAS protein (p.Pro140Ser).

NM_004985.5(KRAS):c.418C>T (p.Pro140Ser)

Gene: KRAS (KRAS proto-oncogene, GTPase; minus strand). Cytogenetic location: 12p12.1.
Variant type: single nucleotide variant.
Coding change: c.418C>T on transcript NM_004985.5 (MANE Select); coding-DNA position 418, C replaced by T.
Protein change: p.Pro140Ser; replaces proline 140 with serine.
Molecular consequence: missense variant.
Genome position (GRCh38, 1-based): chr12:25,225,646, G>A on the plus strand (C>T on the coding strand, the complement: KRAS is on the minus strand). VCF-style: chr12-25225646-G-A. GRCh37 (hg19) VCF-style: chr12-25378580-G-A.
Other names: c.418C>T, p.Pro140Ser (NM_001369786.1, NM_001369787.1, NM_033360.4); short protein forms P140S.
Identifiers: ClinVar variation 2036506 (VCV002036506.4), dbSNP rs2141505727, ClinGen allele CA384151159.